The following is an entry in ClinVar:

NM_173630.4(RTTN):c.6405C>T (p.Pro2135=)

Gene: RTTN (rotatin; minus strand). Cytogenetic location: 18q22.2.
Variant type: single nucleotide variant.
Coding change: c.6405C>T on transcript NM_173630.4 (MANE Select); coding-DNA position 6405, C replaced by T.
Protein change: p.Pro2135=; no amino-acid change (proline 2135 retained).
Molecular consequence: synonymous variant.
Genome position (GRCh38, 1-based): chr18:70,017,423, G>A on the plus strand (C>T on the coding strand, the complement: RTTN is on the minus strand). VCF-style: chr18-70017423-G-A. GRCh37 (hg19) VCF-style: chr18-67684659-G-A.
Other names: c.3669C>T, p.Pro1223= (NM_001318520.2).
Identifiers: ClinVar variation 3699709 (VCV003699709.6).

ClinVar aggregate classification (germline): Likely benign. Review status: criteria provided, multiple submitters, no conflicts (2 of 4 stars). 2 submissions from 2 submitters: Likely benign (2). Last evaluated 2025-12-01.

gnomAD v4.1: 6 of 1,613,724 alleles (0.00037%); highest among the groups gnomAD compares: Admixed American, 0.0033%; no homozygotes.

Submissions (2):

CeGaT Center for Human Genetics Tuebingen
Classification: Likely benign. Last evaluated: 2025-12-01. Review status: criteria provided, single submitter. Criteria: CeGaT Center For Human Genetics Tuebingen Variant Classification Criteria Version 2. Collection method: clinical testing. Allele origin: germline. Affected: yes. Observed: 1 variant allele.
Comment: RTTN: BP4, BP7

Labcorp Genetics (formerly Invitae), Labcorp
Classification: Likely benign. Last evaluated: 2024-06-17. Review status: criteria provided, single submitter. Criteria: Invitae Variant Classification Sherloc (09022015). Collection method: clinical testing. Allele origin: germline.